The following is an entry in ClinVar:

ClinVar aggregate classification (germline): Likely benign. Review status: criteria provided, multiple submitters, no conflicts (2 of 4 stars). 3 submissions from 3 submitters: Likely benign (2). 1 of the submissions does not count toward it. Last evaluated 2025-12-15.

Conditions:
NAA15-related disorder.

Allele frequency attached by ClinVar (database versions not stated): gnomAD exomes 0.00006; ExAC 0.00014; ESP Exome Variant Server 0.00042; TOPMed 0.00049; gnomAD 0.00053; 1000 Genomes Project 30x 0.00078; 1000 Genomes Project 0.00080.
gnomAD v4.1: 170 of 1,612,974 alleles (0.011%); highest among the groups gnomAD compares: African/African-American, 0.21%; no homozygotes.

Submissions (3):

Labcorp Genetics (formerly Invitae), Labcorp
Classification: Likely benign. Last evaluated: 2025-12-15. Review status: criteria provided, single submitter. Criteria: Invitae Variant Classification Sherloc (09022015). Collection method: clinical testing. Allele origin: germline.

Blueprint Genetics
Classification: Likely benign. Last evaluated: 2022-07-08. Review status: criteria provided, single submitter. Criteria: ACMG Guidelines, 2015. Collection method: clinical testing. Allele origin: germline.

PreventionGenetics, part of Exact Sciences
Classification: Likely benign for NAA15-related condition. Last evaluated: 2022-02-18. Review status: no assertion criteria provided. Collection method: clinical testing. Allele origin: germline. Not counted in ClinVar's aggregate classification.
Comment: This variant is classified as likely benign based on ACMG/AMP sequence variant interpretation guidelines (Richards et al. 2015 PMID: 25741868, with internal and published modifications).

NM_057175.5(NAA15):c.613C>T (p.Leu205Phe)

Gene: NAA15 (N-alpha-acetyltransferase 15, NatA auxiliary subunit; plus strand). Cytogenetic location: 4q31.1.
Variant type: single nucleotide variant.
Coding change: c.613C>T on transcript NM_057175.5 (MANE Select); coding-DNA position 613, C replaced by T.
Protein change: p.Leu205Phe; replaces leucine 205 with phenylalanine.
Molecular consequence: missense variant.
Genome position (GRCh38, 1-based): chr4:139,344,261, C>T. VCF-style: chr4-139344261-C-T. GRCh37 (hg19) VCF-style: chr4-140265415-C-T.
Other names: c.613C>T, p.Leu205Phe (NM_001410842.1, NM_025085.2); c.613C>T (NM_057175.3); short protein forms L205F.
Identifiers: ClinVar variation 2200510 (VCV002200510.7), dbSNP rs200018547, ClinGen allele CA3083422.
Genomic context (GRCh38, chr4:139,344,261, plus strand): 5'-GTGGATTATGAATATAGTGAACTACTCTTATATCAGAATCAAGTTCTTCGGGAAGCAGGT[C>T]TCTATAGAGAAGCTTTGGAACATCTTTGTACCTATGAAAAGCAGATTTGTGATAAACTTG-3'
Protein context (NP_476516.1, residues 195-215): YQNQVLREAG[Leu205Phe]YREALEHLCT